The following is an entry in ClinVar:

NM_152703.5(SAMD9L):c.722T>C (p.Val241Ala)

Gene: SAMD9L (sterile alpha motif domain containing 9 like; minus strand). Cytogenetic location: 7q21.2.
Variant type: single nucleotide variant.
Coding change: c.722T>C on transcript NM_152703.5 (MANE Select); coding-DNA position 722, T replaced by C.
Protein change: p.Val241Ala; replaces valine 241 with alanine.
Molecular consequence: missense variant.
Genome position (GRCh38, 1-based): chr7:93,135,250, A>G on the plus strand (T>C on the coding strand, the complement: SAMD9L is on the minus strand). VCF-style: chr7-93135250-A-G. GRCh37 (hg19) VCF-style: chr7-92764563-A-G.
Other names: c.722T>C, p.Val241Ala (NM_001303496.3, NM_001303497.3, NM_001303498.3 and 5 more transcripts); short protein forms V241A.
Identifiers: ClinVar variation 2611774 (VCV002611774.3), dbSNP rs1444116659, ClinGen allele CA368201315.
Genomic context (GRCh38, chr7:93,135,250, plus strand): 5'-ATGAAGGCAGCCTTACTGGTGATTTTCACACCAACAATTTCTCCATGGGGTTTGTCCTTG[A>G]CTCCAAAATGGATGGTGCCATTGGTGCGTGAATTCATACAAGCTGATGCAAATCGGAAGA-3'
Protein context (NP_689916.2, residues 231-251): SRTNGTIHFG[Val241Ala]KDKPHGEIVG

ClinVar aggregate classification (germline): Uncertain significance (1 of 4 stars; one submission).

Conditions:
Inborn genetic diseases. Identifiers: MedGen C0950123, MeSH D030342.

Submission:

Ambry Genetics
Classification: Uncertain significance for Inborn genetic diseases. Last evaluated: 2025-06-09. Review status: criteria provided, single submitter. Criteria: Ambry Variant Classification Scheme 2023. Collection method: clinical testing. Allele origin: germline.
Comment: The p.V241A variant (also known as c.722T>C), located in coding exon 1 of the SAMD9L gene, results from a T to C substitution at nucleotide position 722. The valine at codon 241 is replaced by alanine, an amino acid with similar properties. This amino acid position is conserved. In addition, this alteration is predicted to be tolerated by in silico analysis. Based on the available evidence, the clinical significance of this variant remains unclear.